The following is an entry in ClinVar:

ClinVar aggregate classification (germline): Uncertain significance (1 of 4 stars; one submission).

gnomAD v4.1: 4 of 1,612,808 alleles (0.00025%); highest among the groups gnomAD compares: African/African-American, 0.0027%; no homozygotes.

Submission:

GeneDx
Classification: Uncertain significance. Last evaluated: 2024-09-27. Review status: criteria provided, single submitter. Criteria: GeneDx Variant Classification Process June 2021. Collection method: clinical testing. Allele origin: germline. Affected: yes.
Comment: In silico analysis supports that this missense variant has a deleterious effect on protein structure/function; Has not been previously published as pathogenic or benign to our knowledge; Variants in candidate genes are classified as variants of uncertain significance in accordance with ACMG guidelines (PMID: 25741868)

NM_033026.6(PCLO):c.12186A>C (p.Leu4062Phe)

Gene: PCLO (piccolo presynaptic cytomatrix protein; minus strand). Cytogenetic location: 7q21.11.
Variant type: single nucleotide variant.
Coding change: c.12186A>C on transcript NM_033026.6 (MANE Select); coding-DNA position 12186, A replaced by C.
Protein change: p.Leu4062Phe; replaces leucine 4062 with phenylalanine.
Molecular consequence: missense variant.
Genome position (GRCh38, 1-based): chr7:82,915,800, T>G on the plus strand (A>C on the coding strand, the complement: PCLO is on the minus strand). VCF-style: chr7-82915800-T-G. GRCh37 (hg19) VCF-style: chr7-82545116-T-G.
Other names: c.12186A>C, p.Leu4062Phe (NM_014510.3); short protein forms L4062F.
Identifiers: ClinVar variation 3903281 (VCV003903281.1).
Genomic context (GRCh38, chr7:82,915,800, plus strand): 5'-GGTTCGAAGGAGACGGTCTGTTTTTGACAGATCCTTTTCATGAAGGCTAAATGCGGTGCT[T>G]AATGCCGCTGTTCCTTTGGTGATCTCTCCAATGTCGTCAATTAGGACATAATTTCGTGGA-3'
Protein context (NP_149015.2, residues 4052-4072): IGEITKGTAA[Leu4062Phe]STAFSLHEKD